The following is an entry in ClinVar:

ClinVar aggregate classification (germline): Uncertain significance (1 of 4 stars; one submission).

Conditions:
Acromesomelic dysplasia 1, Maroteaux type (AMD1). Also called: ACROMESOMELIC DYSPLASIA 1; ST. HELENA DYSPLASIA. Identifiers: Orphanet 40, MedGen C1864356, MONDO:0011275, OMIM 602875.
Tall stature-scoliosis-macrodactyly of the great toes syndrome. Also called: Epiphyseal chondrodysplasia, miura type. Identifiers: Orphanet 329191, MedGen C4014690, MONDO:0014401, OMIM 615923.

Submission:

Labcorp Genetics (formerly Invitae), Labcorp
Classification: Uncertain significance for Tall stature-scoliosis-macrodactyly of the great toes syndrome; Acromesomelic dysplasia 1, Maroteaux type. Last evaluated: 2023-06-10. Review status: criteria provided, single submitter. Criteria: Invitae Variant Classification Sherloc (09022015). Collection method: clinical testing. Allele origin: germline.
Comment: In summary, the available evidence is currently insufficient to determine the role of this variant in disease. Therefore, it has been classified as a Variant of Uncertain Significance. Advanced modeling of protein sequence and biophysical properties (such as structural, functional, and spatial information, amino acid conservation, physicochemical variation, residue mobility, and thermodynamic stability) performed at Invitae indicates that this missense variant is not expected to disrupt NPR2 protein function. This variant has not been reported in the literature in individuals affected with NPR2-related conditions. This variant is not present in population databases (gnomAD no frequency). This sequence change replaces leucine, which is neutral and non-polar, with valine, which is neutral and non-polar, at codon 719 of the NPR2 protein (p.Leu719Val).

NM_003995.4(NPR2):c.2155C>G (p.Leu719Val)

Gene: NPR2 (natriuretic peptide receptor 2; plus strand). Cytogenetic location: 9p13.3.
Variant type: single nucleotide variant.
Coding change: c.2155C>G on transcript NM_003995.4 (MANE Select); coding-DNA position 2155, C replaced by G.
Protein change: p.Leu719Val; replaces leucine 719 with valine.
Molecular consequence: missense variant.
Genome position (GRCh38, 1-based): chr9:35,805,937, C>G. VCF-style: chr9-35805937-C-G. GRCh37 (hg19) VCF-style: chr9-35805934-C-G.
Other names: c.2164C>G, p.Leu722Val (NM_001378923.1); short protein forms L722V, L719V.
Identifiers: ClinVar variation 2923764 (VCV002923764.3), dbSNP rs2491061185, ClinGen allele CA373378590.
Genomic context (GRCh38, chr9:35,805,937, plus strand): 5'-ACCACAGGCATGCAGAAGGCTGACGTCTATAGCTTTGGGATCATCCTGCAGGAGATAGCA[C>G]TTCGCAGTGGTCCTTTCTACTTGGAGGGCCTGGACCTCAGCCCCAAAGGTAAGAGTCAAT-3'
Protein context (NP_003986.2, residues 709-729): SFGIILQEIA[Leu719Val]RSGPFYLEGL